The following is an entry in ClinVar:

NM_032043.3(BRIP1):c.514A>T (p.Lys172Ter)

Gene: BRIP1 (BRCA1 interacting DNA helicase 1; minus strand). Cytogenetic location: 17q23.2.
Variant type: single nucleotide variant.
Coding change: c.514A>T on transcript NM_032043.3 (MANE Select); coding-DNA position 514, A replaced by T.
Protein change: p.Lys172Ter; replaces lysine 172 with a stop codon.
Molecular consequence: nonsense.
Genome position (GRCh38, 1-based): chr17:61,847,214, T>A on the plus strand (A>T on the coding strand, the complement: BRIP1 is on the minus strand). VCF-style: chr17-61847214-T-A. GRCh37 (hg19) VCF-style: chr17-59924575-T-A.
Other names: short protein forms K172*.
Identifiers: ClinVar variation 568180 (VCV000568180.9), dbSNP rs1060501765, ClinGen allele CA400483426.

ClinVar aggregate classification (germline): Pathogenic. Review status: criteria provided, multiple submitters, no conflicts (2 of 4 stars). 2 submissions from 2 submitters: Pathogenic (2). Last evaluated 2023-05-31.

Conditions:
Familial cancer of breast. Also called: Hereditary breast cancer; BREAST CANCER, FAMILIAL; hereditary breast carcinoma. Identifiers: Orphanet 227535, MedGen C0346153, MONDO:0016419, OMIM 114480. Disease mechanism: loss of function.
Fanconi anemia complementation group J. Also called: BRIP1-Related Fanconi Anemia. Identifiers: Orphanet 84, MedGen C1836860, MONDO:0012187, OMIM 609054.

Submissions (2):

Myriad Genetics, Inc.
Classification: Pathogenic for Familial cancer of breast. Last evaluated: 2023-05-31. Review status: criteria provided, single submitter. Criteria: Myriad Autosomal Dominant, Autosomal Recessive and X-Linked Classification Criteria (2023). Collection method: clinical testing. Allele origin: unknown.
Comment: This variant is considered pathogenic. This variant creates a termination codon and is predicted to result in premature protein truncation.

Labcorp Genetics (formerly Invitae), Labcorp
Classification: Pathogenic for Familial cancer of breast; Fanconi anemia complementation group J. Last evaluated: 2018-05-15. Review status: criteria provided, single submitter. Criteria: Invitae Variant Classification Sherloc (09022015). Collection method: clinical testing. Allele origin: germline.
Comment: This variant is not present in population databases (ExAC no frequency). This sequence change creates a premature translational stop signal (p.Lys172*) in the BRIP1 gene. It is expected to result in an absent or disrupted protein product. This variant has not been reported in the literature in individuals with BRIP1-related disease. For these reasons, this variant has been classified as Pathogenic. Loss-of-function variants in BRIP1 are known to be pathogenic (PMID: 16116423, 17033622, 21964575).

Literature cited by the submitters: PubMed 16116423 (cited by Labcorp Genetics (formerly Invitae), Labcorp); PubMed 17033622 (cited by Labcorp Genetics (formerly Invitae), Labcorp); PubMed 21964575 (cited by Labcorp Genetics (formerly Invitae), Labcorp).